The following is an entry in ClinVar:

ClinVar aggregate classification (germline): Benign/Likely benign. Review status: criteria provided, multiple submitters, no conflicts (2 of 4 stars). 20 submissions from 19 submitters: Benign (9); Likely benign (6). 5 of the submissions do not count toward it. Last evaluated 2026-09-01.

Conditions:
Monogenic diabetes. Identifiers: Orphanet 183625, MedGen C3888631, MONDO:0015967.
WFS1-Related Spectrum Disorders.
Autosomal dominant nonsyndromic hearing loss 6 (LFSNHL). Also called: Autosomal dominant nonsyndromic deafness 6; DEAFNESS, AUTOSOMAL DOMINANT 14; DEAFNESS, AUTOSOMAL DOMINANT 38; DEAFNESS, AUTOSOMAL DOMINANT 6. Identifiers: Orphanet 90635, MedGen C1833021, MONDO:0010963, OMIM 600965.
Cataract 41 (CTRCT41). Also called: CATARACT 41, CONGENITAL NUCLEAR TYPE. Identifiers: Orphanet 91492, Orphanet 98991, Orphanet 98992, Orphanet 98995, MedGen C3805412, MONDO:0007287, OMIM 116400.
Wolfram-like syndrome. Also called: HEARING LOSS, PROGRESSIVE, WITH OPTIC ATROPHY AND/OR IMPAIRED GLUCOSE REGULATION. Identifiers: Orphanet 411590, MedGen C3280358, MONDO:0013673, OMIM 614296.
Type 2 diabetes mellitus. Also called: Type II diabetes mellitus. Identifiers: MedGen C0011860, MeSH D003924, MONDO:0005148, OMIM 125853, HP:0005978.
Wolfram syndrome 1 (WFS1). Identifiers: Orphanet 3463, MedGen C4551693, MONDO:0009101, OMIM 222300.

Allele frequency attached by ClinVar (database versions not stated): 1000 Genomes Project 30x 0.00219; 1000 Genomes Project 0.00220; ESP Exome Variant Server 0.00223; gnomAD 0.00249 and 0.00267; TOPMed 0.00250; gnomAD exomes 0.00380; ExAC 0.00406.
gnomAD v4.1: 5,981 of 1,613,240 alleles (0.37%); highest among the groups gnomAD compares: South Asian, 1.2%; 29 homozygotes.

Submissions (20):

CeGaT Center for Human Genetics Tuebingen
Classification: Benign. Last evaluated: 2026-09-01. Review status: criteria provided, single submitter. Criteria: CeGaT Center For Human Genetics Tuebingen Variant Classification Criteria Version 2. Collection method: clinical testing. Allele origin: germline. Affected: yes. Observed: 11 variant alleles.
Comment: WFS1: BS1, BS2

Labcorp Genetics (formerly Invitae), Labcorp
Classification: Benign. Last evaluated: 2026-02-01. Review status: criteria provided, single submitter. Criteria: Invitae Variant Classification Sherloc (09022015). Collection method: clinical testing. Allele origin: germline.

Blueprint Genetics
Classification: Likely benign. Last evaluated: 2024-11-25. Review status: criteria provided, single submitter. Criteria: ACMG Guidelines, 2015. Collection method: clinical testing. Allele origin: germline.

Mayo Clinic Laboratories, Mayo Clinic
Classification: Benign. Last evaluated: 2023-12-14. Review status: criteria provided, single submitter. Criteria: ACMG Guidelines, 2015. Collection method: clinical testing. Allele origin: germline. Observed: 3 variant alleles.
Comment: BA1, BS2

ARUP Laboratories, Molecular Genetics and Genomics, ARUP Laboratories
Classification: Benign. Last evaluated: 2023-11-11. Review status: criteria provided, single submitter. Criteria: ARUP Molecular Germline Variant Investigation Process 2024. Collection method: clinical testing. Allele origin: germline.

Fulgent Genetics
Classification: Benign for Cataract 41; Type 2 diabetes mellitus; Wolfram syndrome 1; Autosomal dominant nonsyndromic hearing loss 6; Wolfram-like syndrome. Last evaluated: 2022-05-05. Review status: criteria provided, single submitter. Criteria: ACMG Guidelines, 2015. Collection method: clinical testing. Allele origin: unknown.

Genetic Services Laboratory, University of Chicago
Classification: Likely benign. Last evaluated: 2021-08-31. Review status: criteria provided, single submitter. Criteria: ACMG Guidelines, 2015. Collection method: clinical testing. Allele origin: germline. Affected: no.

Personalized Diabetes Medicine Program, University of Maryland School of Medicine
Classification: Benign for Monogenic diabetes. Last evaluated: 2018-11-21. Review status: criteria provided, single submitter. Criteria: ACMG Guidelines, 2015. Collection method: research. Allele origin: unknown. Observed: 5 variant alleles, 5 heterozygotes.
Comment: ACMG criteria: BS1 (1.3% in gnomAD S Asian, 1% gnomAD AJ), BS2 (74 cases and 62 control in T2DM and 5 homozygotes in gnomAD)=benign (REVEL 0.223 + PP3/5 predictors + BP4/4 predictors: conflicting evidence, not using)

Illumina Laboratory Services, Illumina
Classification: Likely benign for Autosomal dominant nonsyndromic hearing loss 6. Last evaluated: 2017-04-27. Review status: criteria provided, single submitter. Criteria: ICSL Variant Classification Criteria 13 December 2019. Collection method: clinical testing. Allele origin: germline.
Comment: This variant was observed as part of a predisposition screen in an ostensibly healthy population. A literature search was performed for the gene, cDNA change, and amino acid change (where applicable). Publications were found based on this search. The evidence from the literature, in combination with allele frequency data from public databases where available, was sufficient to determine this variant is unlikely to cause disease. Therefore, this variant is classified as likely benign.

Illumina Laboratory Services, Illumina
Classification: Likely benign for WFS1-Related Spectrum Disorders. Last evaluated: 2017-04-27. Review status: criteria provided, single submitter. Criteria: ICSL Variant Classification Criteria 13 December 2019. Collection method: clinical testing. Allele origin: germline.
Comment: This variant was observed as part of a predisposition screen in an ostensibly healthy population. A literature search was performed for the gene, cDNA change, and amino acid change (where applicable). No publications were found based on this search. Allele frequency data from public databases allowed determination this variant is unlikely to cause disease. Therefore, this variant is classified as likely benign.

Center for Pediatric Genomic Medicine, Children's Mercy Hospital and Clinics
Classification: Likely benign. Last evaluated: 2016-07-22. Review status: criteria provided, single submitter. Criteria: ACMG Guidelines, 2015. Collection method: clinical testing. Allele origin: germline.
ClinVar note: Converted during submission from Likely Benign to Likely benign.

Laboratory for Molecular Medicine, Mass General Brigham Personalized Medicine
Classification: Benign. Last evaluated: 2013-08-30. Review status: criteria provided, single submitter. Criteria: LMM Criteria. Collection method: clinical testing. Allele origin: germline. Observed: 14 variant alleles.
Comment: p.Lys193Gln in exon 5 of WFS1: This variant is not expected to have clinical sig nificance because it has been identified in 0.4% (30/7020) of European American chromosomes from a broad population by the NHLBI Exome Sequencing Project (dbSNP rs41264699).

Breakthrough Genomics
Classification: Likely benign. Review status: criteria provided, single submitter. Criteria: ACMG Guidelines, 2015. Collection method: not provided. Allele origin: germline. Inheritance: Autosomal recessive inheritance. Affected: yes.

Broad Center for Mendelian Genomics, Broad Institute of MIT and Harvard
Classification: Benign for Autosomal dominant nonsyndromic hearing loss 6. Review status: criteria provided, single submitter. Criteria: ACMG Guidelines, 2015. Collection method: research. Allele origin: germline. Inheritance: Autosomal dominant inheritance. Affected: yes.
Comment: The heterozygous p.Lys193Gln variant in WFS1 has been identified in an individual with sensorineural hearing loss and in the compound heterozygous state in an individual with gait instability, optic atrophy, and cerebellar dysarthria (PMID: 12073007, 25497598), and has been identified in >1% of South Asian chromosomes and 4 homozygotes by ExAC. In summary, this variant meets criteria to be classified as benign for autosomal dominant sensorineural hearing loss.

PreventionGenetics, part of Exact Sciences
Classification: Benign. Review status: criteria provided, single submitter. Criteria: ACMG Guidelines, 2015. Collection method: clinical testing. Allele origin: germline.

Clinical Genetics DNA and cytogenetics Diagnostics Lab, Erasmus MC, Erasmus Medical Center
Classification: Likely benign. Review status: no assertion criteria provided. Collection method: clinical testing. Allele origin: germline. Affected: yes. Study: VKGL Data-share Consensus. Not counted in ClinVar's aggregate classification.

Clinical Genetics, Academic Medical Center
Classification: Benign. Review status: no assertion criteria provided. Collection method: clinical testing. Allele origin: germline. Affected: yes. Study: VKGL Data-share Consensus. Not counted in ClinVar's aggregate classification.

Joint Genome Diagnostic Labs from Nijmegen and Maastricht, Radboudumc and MUMC+
Classification: Likely benign. Review status: no assertion criteria provided. Collection method: clinical testing. Allele origin: germline. Affected: yes. Study: VKGL Data-share Consensus. Not counted in ClinVar's aggregate classification.

Laboratory of Diagnostic Genome Analysis, Leiden University Medical Center (LUMC)
Classification: Likely benign. Review status: no assertion criteria provided. Collection method: clinical testing. Allele origin: germline. Affected: yes. Study: VKGL Data-share Consensus. Not counted in ClinVar's aggregate classification.

Clinical Genomics, Uppaluri K&H Personalized Medicine Clinic
Classification: Likely risk allele for Wolfram syndrome 1. Last evaluated: 2024-02-21. Review status: flagged submission. Criteria: K & H Uppaluri Personalized Medicine Clinic Variant Classification & Assertion Criteria_Updated V.1. Collection method: research. Allele origin: unknown. Inheritance: Autosomal recessive inheritance. Not counted in ClinVar's aggregate classification.
Comment: Mutations in WFS1 gene are associated with Wolfram's syndrome, an autosomal recessive condition, which cause diabetes mellitus, diabetes insipidus, deafness and optic atrophy. rs41264699 variant is also seen in patients with Diabetes Mellitus. However, the role of this particular variant is yet to be ascertained. This variant is found to be a potent moderate impact, deleterious variant with a CADD score of 24 and sufficient scientific evidence to support the reported classification. This is found more frequently in Wolfram syndrome cases as per recent evidence as well.
ClinVar note: Reason: Outlier claim with insufficient supporting evidence

Literature cited by the submitters: PubMed 25497598 (cited by Mayo Clinic Laboratories, Mayo Clinic and Broad Center for Mendelian Genomics, Broad Institute of MIT and Harvard); PubMed 30872718 (cited by Mayo Clinic Laboratories, Mayo Clinic); PubMed 12073007 (cited by Illumina Laboratory Services, Illumina and Broad Center for Mendelian Genomics, Broad Institute of MIT and Harvard); PubMed 12955714 (cited by Illumina Laboratory Services, Illumina); PubMed 11916957 (cited by Illumina Laboratory Services, Illumina); PubMed 25262649 (cited by Broad Center for Mendelian Genomics, Broad Institute of MIT and Harvard); PubMed 29529044 (cited by Clinical Genomics, Uppaluri K&H Personalized Medicine Clinic); PubMed 18688868 (cited by Clinical Genomics, Uppaluri K&H Personalized Medicine Clinic).

NM_006005.3(WFS1):c.577A>C (p.Lys193Gln)

Gene: WFS1 (wolframin ER transmembrane glycoprotein; plus strand). Cytogenetic location: 4p16.1.
Variant type: single nucleotide variant.
Coding change: c.577A>C on transcript NM_006005.3 (MANE Select); coding-DNA position 577, A replaced by C.
Protein change: p.Lys193Gln; replaces lysine 193 with glutamine.
Molecular consequence: missense variant.
Genome position (GRCh38, 1-based): chr4:6,291,313, A>C. VCF-style: chr4-6291313-A-C. GRCh37 (hg19) VCF-style: chr4-6293040-A-C.
Other names: p.K193Q:AAG>CAG; c.577A>C, p.Lys193Gln (NM_001145853.1); short protein forms K193Q.
Identifiers: ClinVar variation 178654 (VCV000178654.74), dbSNP rs41264699, ClinGen allele CA295799.